The following is an entry in ClinVar:

NM_022124.6(CDH23):c.3715+1G>T

Genes: C10orf105 (chromosome 10 open reading frame 105; minus strand), CDH23 (cadherin related 23; plus strand). Cytogenetic location: 10q22.1.
Variant type: single nucleotide variant.
Coding change: c.3715+1G>T on transcript NM_022124.6 (MANE Select); the canonical splice donor site of the intron after coding-DNA position 3715, G replaced by T.
Molecular consequence: splice donor variant. On other transcripts: intron variant (1).
Genome position (GRCh38, 1-based): chr10:71,730,605, G>T. VCF-style: chr10-71730605-G-T. GRCh37 (hg19) VCF-style: chr10-73490362-G-T.
Other names: c.3715+1G>T (NM_001171930.2); c.-6+7123C>A (NM_001168390.2).
Identifiers: ClinVar variation 3639463 (VCV003639463.2).

ClinVar aggregate classification (germline): Likely pathogenic (1 of 4 stars; one submission).

Submission:

Labcorp Genetics (formerly Invitae), Labcorp
Classification: Likely pathogenic. Last evaluated: 2024-02-07. Review status: criteria provided, single submitter. Criteria: Invitae Variant Classification Sherloc (09022015). Collection method: clinical testing. Allele origin: germline.
Comment: This sequence change affects a donor splice site in intron 31 of the CDH23 gene. It is expected to disrupt RNA splicing. Variants that disrupt the donor or acceptor splice site typically lead to a loss of protein function (PMID: 16199547), and loss-of-function variants in CDH23 are known to be pathogenic (PMID: 11138009, 21940737). This variant is not present in population databases (gnomAD no frequency). This variant has not been reported in the literature in individuals affected with CDH23-related conditions. Algorithms developed to predict the effect of sequence changes on RNA splicing suggest that this variant may disrupt the consensus splice site. In summary, the currently available evidence indicates that the variant is pathogenic, but additional data are needed to prove that conclusively. Therefore, this variant has been classified as Likely Pathogenic.

Literature cited by the submitters: PubMed 16199547; PubMed 11138009; PubMed 21940737.